The following is an entry in ClinVar:

ClinVar aggregate classification (germline): Uncertain significance (1 of 4 stars; one submission).

Submission:

Labcorp Genetics (formerly Invitae), Labcorp
Classification: Uncertain significance. Last evaluated: 2021-11-24. Review status: criteria provided, single submitter. Criteria: Invitae Variant Classification Sherloc (09022015). Collection method: clinical testing. Allele origin: germline.
Comment: In summary, the available evidence is currently insufficient to determine the role of this variant in disease. Therefore, it has been classified as a Variant of Uncertain Significance. This variant has not been reported in the literature in individuals affected with ALPK3-related conditions. This variant results in a copy number gain of the genomic region encompassing exon(s) 1-2 of the ALPK3 gene. This region includes the initiator codon of the gene. This copy number gain extends beyond the assayed region for this gene and therefore may encompass additional genes. As the precise location of this event is unknown, it may be in tandem or it may be located elsewhere in the genome.

NC_000015.9:g.(?_85360078)_(85366619_?)dup

Gene: ALPK3 (alpha kinase 3; plus strand). Cytogenetic location: 15q25.3.
Variant type: Duplication.
Identifiers: ClinVar variation 2426594 (VCV002426594.4).